The following is an entry in ClinVar:

NM_173495.3(PTCHD1):c.758C>T (p.Thr253Met)

Gene: PTCHD1 (patched domain containing 1; plus strand). Cytogenetic location: Xp22.11.
Variant type: single nucleotide variant.
Coding change: c.758C>T on transcript NM_173495.3 (MANE Select); coding-DNA position 758, C replaced by T.
Protein change: p.Thr253Met; replaces threonine 253 with methionine.
Molecular consequence: missense variant.
Genome position (GRCh38, 1-based): chrX:23,379,997, C>T. VCF-style: chrX-23379997-C-T. GRCh37 (hg19) VCF-style: chrX-23398114-C-T.
Other names: short protein forms T253M.
Identifiers: ClinVar variation 4987270 (VCV004987270.1).
Genomic context (GRCh38, chrX:23,379,997, plus strand): 5'-TCTGCGACACTGTCAGACTGTTTCAGAAATCCAACAGCAAAGTCAAAATGTACCCTTACA[C>T]GTCCTCCTCACTGAGGGAAGATTTCCAGAAGACCAGCCGCGTATCAGAACGTTACCTGGT-3'
Protein context (NP_775766.2, residues 243-263): SNSKVKMYPY[Thr253Met]SSSLREDFQK

ClinVar aggregate classification (germline): Uncertain significance (1 of 4 stars; one submission).

Conditions:
PTCHD1-related disorder. Also called: PTCHD1-related condition.

gnomAD v4.1: 3 of 1,211,924 alleles (0.00025%); highest among the groups gnomAD compares: Admixed American, 0.0022%; no homozygotes.

Submission:

PreventionGenetics, part of Exact Sciences
Classification: Uncertain significance for PTCHD1-related condition. Last evaluated: 2025-02-21. Review status: criteria provided, single submitter. Criteria: ACMG Guidelines, 2015. Collection method: clinical testing. Allele origin: germline.
Comment: The PTCHD1 c.758C>T variant is predicted to result in the amino acid substitution p.Thr253Met. To our knowledge, this variant has not been reported in the literature. This variant is reported in 0.0% of alleles in individuals of African descent in gnomAD. At this time, the clinical significance of this variant is uncertain due to the absence of conclusive functional and genetic evidence.